The following is an entry in ClinVar:

NM_004360.5(CDH1):c.1633C>G (p.Arg545Gly)

Gene: CDH1 (cadherin 1; plus strand). Cytogenetic location: 16q22.1.
Variant type: single nucleotide variant.
Coding change: c.1633C>G on transcript NM_004360.5 (MANE Select); coding-DNA position 1633, C replaced by G.
Protein change: p.Arg545Gly; replaces arginine 545 with glycine.
Molecular consequence: missense variant. On other transcripts: intron variant (1).
Genome position (GRCh38, 1-based): chr16:68,819,347, C>G. VCF-style: chr16-68819347-C-G. GRCh37 (hg19) VCF-style: chr16-68853250-C-G.
Other names: c.1633C>G (LRG_301t1); c.1450C>G, p.Arg484Gly (NM_001317184.2); c.85C>G, p.Arg29Gly (NM_001317185.2); c.-254-2654C>G (NM_001317186.2); short protein forms R545G, R484G, R29G.
Identifiers: ClinVar variation 216590 (VCV000216590.23), dbSNP rs863224727, ClinGen allele CA336064.

ClinVar aggregate classification (germline): Uncertain significance. Review status: criteria provided, multiple submitters, no conflicts (2 of 4 stars). 6 submissions from 6 submitters: Uncertain significance (5). 1 of the submissions does not count toward it. Last evaluated 2025-06-15.

Conditions:
Familial cancer of breast. Also called: Hereditary breast cancer; BREAST CANCER, FAMILIAL; hereditary breast carcinoma. Identifiers: Orphanet 227535, MedGen C0346153, MONDO:0016419, OMIM 114480. Disease mechanism: loss of function.
Ovarian cancer. Also called: OVARIAN CANCER, SOMATIC. Identifiers: Orphanet 213500, MedGen C1140680, MONDO:0008170, OMIM 167000.
Hereditary cancer-predisposing syndrome. Also called: Tumor predisposition; Hereditary Cancer Syndrome; Neoplastic Syndromes, Hereditary; Hereditary neoplastic syndrome. Identifiers: Orphanet 140162, MedGen C0027672, MeSH D009386, MONDO:0015356.
Hereditary diffuse gastric adenocarcinoma (HDGC). Also called: DIFFUSE GASTRIC AND LOBULAR BREAST CANCER SYNDROME. Identifiers: Orphanet 26106, MedGen C1708349, MONDO:0007648, OMIM 137215.

gnomAD v4.1: 2 of 1,614,042 alleles (0.00012%); highest among the groups gnomAD compares: Non-Finnish European, 0.00017%; no homozygotes.

Submissions (6):

Labcorp Genetics (formerly Invitae), Labcorp
Classification: Uncertain significance for Hereditary diffuse gastric adenocarcinoma. Last evaluated: 2025-06-15. Review status: criteria provided, single submitter. Criteria: Invitae Variant Classification Sherloc (09022015). Collection method: clinical testing. Allele origin: germline.
Comment: This sequence change replaces arginine, which is basic and polar, with glycine, which is neutral and non-polar, at codon 545 of the CDH1 protein (p.Arg545Gly). This variant is not present in population databases (gnomAD no frequency). This missense change has been observed in individual(s) with hereditary lobular breast cancer (PMID: 38652475). ClinVar contains an entry for this variant (Variation ID: 216590). An algorithm developed to predict the effect of missense changes on protein structure and function (PolyPhen-2) suggests that this variant is likely to be disruptive. In summary, the available evidence is currently insufficient to determine the role of this variant in disease. Therefore, it has been classified as a Variant of Uncertain Significance.

Ambry Genetics
Classification: Uncertain significance for Hereditary cancer-predisposing syndrome. Last evaluated: 2025-05-16. Review status: criteria provided, single submitter. Criteria: Ambry Variant Classification Scheme 2023. Collection method: clinical testing. Allele origin: germline.
Comment: The p.R545G variant (also known as c.1633C>G), located in coding exon 11 of the CDH1 gene, results from a C to G substitution at nucleotide position 1633. The arginine at codon 545 is replaced by glycine, an amino acid with dissimilar properties. This amino acid position is not well conserved in available vertebrate species. In addition, this alteration is predicted to be tolerated by in silico analysis. Since supporting evidence is limited at this time, the clinical significance of this alteration remains unclear.

Color Diagnostics, LLC DBA Color Health
Classification: Uncertain significance for Hereditary cancer-predisposing syndrome. Last evaluated: 2025-01-22. Review status: criteria provided, single submitter. Criteria: ACMG Guidelines, 2015. Collection method: clinical testing. Allele origin: germline.
Comment: This missense variant replaces arginine with glycine at codon 545 of the CDH1 protein. To our knowledge, functional studies have not been reported for this variant. This variant has been reported in individuals affected with lobular breast cancer (PMID: 38652475). This variant has not been identified in the general population by the Genome Aggregation Database (gnomAD). The available evidence is insufficient to determine the role of this variant in disease conclusively. Therefore, this variant is classified as a Variant of Uncertain Significance.

Myriad Genetics, Inc.
Classification: Uncertain significance for Hereditary diffuse gastric adenocarcinoma. Last evaluated: 2023-03-03. Review status: criteria provided, single submitter. Criteria: Myriad Autosomal Dominant, Autosomal Recessive and X-Linked Classification Criteria (2023). Collection method: clinical testing. Allele origin: unknown.
Comment: This variant is classified as a variant of uncertain significance as there is insufficient evidence to determine its impact on protein function and/or cancer risk.

Department of Pathology and Laboratory Medicine, Sinai Health System
Classification: Uncertain significance for Familial cancer of breast; Ovarian cancer. Last evaluated: 2020-01-17. Review status: criteria provided, single submitter. Criteria: ACMG Guidelines, 2015. Collection method: clinical testing. Allele origin: germline. Affected: yes.

Counsyl
Classification: Uncertain significance for Hereditary diffuse gastric adenocarcinoma. Last evaluated: 2015-12-22. Review status: no assertion criteria provided. Collection method: clinical testing. Allele origin: unknown. Not counted in ClinVar's aggregate classification.

Literature cited by the submitters: PubMed 38652475 (cited by Labcorp Genetics (formerly Invitae), Labcorp and Color Diagnostics, LLC DBA Color Health).